The following is an entry in ClinVar:

NM_002439.5(MSH3):c.848C>G (p.Ala283Gly)

Gene: MSH3 (mutS homolog 3; plus strand). Cytogenetic location: 5q14.1.
Variant type: single nucleotide variant.
Coding change: c.848C>G on transcript NM_002439.5 (MANE Select); coding-DNA position 848, C replaced by G.
Protein change: p.Ala283Gly; replaces alanine 283 with glycine.
Molecular consequence: missense variant.
Genome position (GRCh38, 1-based): chr5:80,672,299, C>G. VCF-style: chr5-80672299-C-G. GRCh37 (hg19) VCF-style: chr5-79968118-C-G.
Other names: short protein forms A283G.
Identifiers: ClinVar variation 5024783 (VCV005024783.1).
Genomic context (GRCh38, chr5:80,672,299, plus strand): 5'-TTTAGATTGCAGCCCGAGAGCTCAATATTTATTGCCATTTAGATCACAACTTTATGACAG[C>G]AAGTATACCTACTCACAGACTGTTTGTTCATGTACGCCGCCTGGTGGCAAAAGGATATAA-3'
Protein context (NP_002430.3, residues 273-293): YCHLDHNFMT[Ala283Gly]SIPTHRLFVH

ClinVar aggregate classification (germline): Uncertain significance (1 of 4 stars; one submission).

Conditions:
Hereditary cancer-predisposing syndrome. Also called: Neoplastic Syndromes, Hereditary; Tumor predisposition; Hereditary neoplastic syndrome; Hereditary Cancer Syndrome. Identifiers: Orphanet 140162, MedGen C0027672, MeSH D009386, MONDO:0015356.

Submission:

Ambry Genetics
Classification: Uncertain significance for Hereditary cancer-predisposing syndrome. Last evaluated: 2026-07-06. Review status: criteria provided, single submitter. Criteria: Ambry Variant Classification Scheme 2023. Collection method: clinical testing. Allele origin: germline.
Comment: The p.A283G variant (also known as c.848C>G), located in coding exon 5 of the MSH3 gene, results from a C to G substitution at nucleotide position 848. The alanine at codon 283 is replaced by glycine, an amino acid with similar properties. This amino acid position is conserved. In addition, the in silico prediction for this alteration is inconclusive. Based on the available evidence, the clinical significance of this variant remains unclear.